The following is an entry in ClinVar:

NM_024747.6(HPS6):c.814A>G (p.Thr272Ala)

Gene: HPS6 (HPS6 biogenesis of lysosomal organelles complex 2 subunit 3; plus strand). Cytogenetic location: 10q24.32.
Variant type: single nucleotide variant.
Coding change: c.814A>G on transcript NM_024747.6 (MANE Select); coding-DNA position 814, A replaced by G.
Protein change: p.Thr272Ala; replaces threonine 272 with alanine.
Molecular consequence: missense variant.
Genome position (GRCh38, 1-based): chr10:102,066,288, A>G. VCF-style: chr10-102066288-A-G. GRCh37 (hg19) VCF-style: chr10-103826045-A-G.
Other names: short protein forms T272A.
Identifiers: ClinVar variation 1396009 (VCV001396009.8), dbSNP rs2136334308, ClinGen allele CA377859177.
Genomic context (GRCh38, chr10:102,066,288, plus strand): 5'-CGGACCCTGCTCCGAGGCCTTCCTGGGTTGCTGTCCCCCAGGGAGCCACTGGCTGTACAC[A>G]CCTGGGCCCCAACTCCCCAGGGCCTGCTGTTGCTTGACTTCGGGGGCACTGTGAGCCTAT-3'
Protein context (NP_079023.2, residues 262-282): LSPREPLAVH[Thr272Ala]WAPTPQGLLL

ClinVar aggregate classification (germline): Uncertain significance (1 of 4 stars; one submission).

Submission:

Labcorp Genetics (formerly Invitae), Labcorp
Classification: Uncertain significance. Last evaluated: 2021-05-18. Review status: criteria provided, single submitter. Criteria: Invitae Variant Classification Sherloc (09022015). Collection method: clinical testing. Allele origin: germline.
Comment: This variant is not present in population databases (ExAC no frequency). Algorithms developed to predict the effect of missense changes on protein structure and function (SIFT, PolyPhen-2, Align-GVGD) all suggest that this variant is likely to be tolerated, but these predictions have not been confirmed by published functional studies and their clinical significance is uncertain. This variant has not been reported in the literature in individuals with HPS6-related conditions. In summary, the available evidence is currently insufficient to determine the role of this variant in disease. Therefore, it has been classified as a Variant of Uncertain Significance. This sequence change replaces threonine with alanine at codon 272 of the HPS6 protein (p.Thr272Ala). The threonine residue is highly conserved and there is a small physicochemical difference between threonine and alanine.